The following is an entry in ClinVar:

ClinVar aggregate classification (germline): Uncertain significance. Review status: criteria provided, multiple submitters, no conflicts (2 of 4 stars). 2 submissions from 2 submitters: Uncertain significance (2). Last evaluated 2025-03-10.

Conditions:
Benign neonatal seizures. Also called: Benign familial neonatal seizures; Benign neonatal familial convulsions; Convulsions benign familial neonatal dominant form; Autosomal dominant form of benign neonatal seizures; Benign familial neonatal epilepsy. Identifiers: Orphanet 1949, MedGen C0220669, MONDO:0016027.

Submissions (2):

Labcorp Genetics (formerly Invitae), Labcorp
Classification: Uncertain significance for Benign neonatal seizures. Last evaluated: 2025-03-10. Review status: criteria provided, single submitter. Criteria: Invitae Variant Classification Sherloc (09022015). Collection method: clinical testing. Allele origin: germline.
Comment: This sequence change replaces valine, which is neutral and non-polar, with alanine, which is neutral and non-polar, at codon 151 of the KCNQ3 protein (p.Val151Ala). This variant is not present in population databases (gnomAD no frequency). This variant has not been reported in the literature in individuals affected with KCNQ3-related conditions. Invitae Evidence Modeling of protein sequence and biophysical properties (such as structural, functional, and spatial information, amino acid conservation, physicochemical variation, residue mobility, and thermodynamic stability) indicates that this missense variant is not expected to disrupt KCNQ3 protein function with a negative predictive value of 80%. In summary, the available evidence is currently insufficient to determine the role of this variant in disease. Therefore, it has been classified as a Variant of Uncertain Significance.

GeneDx
Classification: Uncertain significance. Last evaluated: 2024-07-26. Review status: criteria provided, single submitter. Criteria: GeneDx Variant Classification Process June 2021. Collection method: clinical testing. Allele origin: germline. Affected: yes.
Comment: Not observed at significant frequency in large population cohorts (gnomAD); In silico analysis indicates that this missense variant does not alter protein structure/function; Has not been previously published as pathogenic or benign to our knowledge

NM_004519.4(KCNQ3):c.452T>C (p.Val151Ala)

Gene: KCNQ3 (potassium voltage-gated channel subfamily Q member 3; minus strand). Cytogenetic location: 8q24.22.
Variant type: single nucleotide variant.
Coding change: c.452T>C on transcript NM_004519.4 (MANE Select); coding-DNA position 452, T replaced by C.
Protein change: p.Val151Ala; replaces valine 151 with alanine.
Molecular consequence: missense variant.
Genome position (GRCh38, 1-based): chr8:132,186,116, A>G on the plus strand (T>C on the coding strand, the complement: KCNQ3 is on the minus strand). VCF-style: chr8-132186116-A-G. GRCh37 (hg19) VCF-style: chr8-133198363-A-G.
Other names: c.92T>C, p.Val31Ala (NM_001204824.2); short protein forms V151A, V31A.
Identifiers: ClinVar variation 3600557 (VCV003600557.2).